The following is an entry in ClinVar:

ClinVar aggregate classification (germline): Uncertain significance (0 of 4 stars; one submission).

Conditions:
FAM50A-related disorder. Also called: FAM50A-related condition.

Submission:

PreventionGenetics, part of Exact Sciences
Classification: Uncertain significance for FAM50A-related condition. Last evaluated: 2024-05-16. Review status: no assertion criteria provided. Collection method: clinical testing. Allele origin: germline.
Comment: The FAM50A c.407_409delAGG variant is predicted to result in an in-frame deletion (p.Glu136del). To our knowledge, this variant has not been reported in the literature or in a large population database, indicating this variant is rare. At this time, the clinical significance of this variant is uncertain due to the absence of conclusive functional and genetic evidence.

NM_004699.4(FAM50A):c.404AGG[1] (p.Glu136del)

Gene: FAM50A (family with sequence similarity 50 member A; plus strand). Cytogenetic location: Xq28.
Variant type: Microsatellite.
Coding change: c.404AGG[1] on transcript NM_004699.4 (MANE Select); one copy of the 3-base unit AGG starting at c.404; the reference has two copies in a row; one copy, 3 bases deleted.
Protein change: p.Glu136del; deletes glutamic acid 136.
Molecular consequence: inframe deletion.
Genome position (GRCh38, 1-based): chrX:154,446,525-154,446,527, AGG deleted; deleting any 3 consecutive bases within chrX:154,446,521-154,446,527 gives the same sequence; the position shown is the placement nearest the transcript's 3' end. VCF-style (leftmost placement, unchanged base first): chrX-154446520-AGAG-A. GRCh37 (hg19) VCF-style: chrX-153674868-AGAG-A.
Other names: short protein forms E136del.
Identifiers: ClinVar variation 3358084 (VCV003358084.1).